The following is an entry in ClinVar:

ClinVar aggregate classification (germline): Conflicting classifications of pathogenicity. Review status: criteria provided, conflicting classifications (1 of 4 stars). 2 submissions from 2 submitters: Uncertain significance (1); Likely benign (1). Last evaluated 2023-12-15.

Conditions:
Duchenne muscular dystrophy (DMD). Also called: MUSCULAR DYSTROPHY, PSEUDOHYPERTROPHIC PROGRESSIVE, DUCHENNE TYPE; Duchenne Muscular Dystrophy (DMD). Identifiers: Orphanet 98896, MedGen C0013264, MONDO:0010679, OMIM 310200.
Cardiovascular phenotype. Identifiers: MedGen CN230736.

gnomAD v4.1: 1 of 1,209,779 alleles (0.000083%); no homozygotes.

Submissions (2):

Ambry Genetics
Classification: Likely benign for Cardiovascular phenotype. Last evaluated: 2023-12-15. Review status: criteria provided, single submitter. Criteria: Ambry Variant Classification Scheme 2023. Collection method: clinical testing. Allele origin: germline.

Labcorp Genetics (formerly Invitae), Labcorp
Classification: Uncertain significance for Duchenne muscular dystrophy. Last evaluated: 2022-09-20. Review status: criteria provided, single submitter. Criteria: Invitae Variant Classification Sherloc (09022015). Collection method: clinical testing. Allele origin: germline.
Comment: This sequence change replaces lysine, which is basic and polar, with glutamic acid, which is acidic and polar, at codon 1539 of the DMD protein (p.Lys1539Glu). This variant is present in population databases (no rsID available, gnomAD 0.004%). This variant has not been reported in the literature in individuals affected with DMD-related conditions. Advanced modeling of protein sequence and biophysical properties (such as structural, functional, and spatial information, amino acid conservation, physicochemical variation, residue mobility, and thermodynamic stability) performed at Invitae indicates that this missense variant is not expected to disrupt DMD protein function. In summary, the available evidence is currently insufficient to determine the role of this variant in disease. Therefore, it has been classified as a Variant of Uncertain Significance.

NM_004006.3(DMD):c.4615A>G (p.Lys1539Glu)

Gene: DMD (dystrophin; minus strand). Cytogenetic location: Xp21.1.
Variant type: single nucleotide variant.
Coding change: c.4615A>G on transcript NM_004006.3 (MANE Select); coding-DNA position 4615, A replaced by G.
Protein change: p.Lys1539Glu; replaces lysine 1539 with glutamic acid.
Molecular consequence: missense variant.
Genome position (GRCh38, 1-based): chrX:32,386,369, T>C on the plus strand (A>G on the coding strand, the complement: DMD is on the minus strand). VCF-style: chrX-32386369-T-C. GRCh37 (hg19) VCF-style: chrX-32404486-T-C.
Other names: c.4591A>G, p.Lys1531Glu (NM_000109.4); c.4603A>G, p.Lys1535Glu (NM_004009.3); c.4246A>G, p.Lys1416Glu (NM_004010.3); c.592A>G, p.Lys198Glu (NM_004011.4); c.583A>G, p.Lys195Glu (NM_004012.4); short protein forms K1531E, K195E, K1416E, K1535E, K1539E, K198E.
Identifiers: ClinVar variation 1896584 (VCV001896584.3), dbSNP rs1387802855, ClinGen allele CA412662596.